The following is an entry in ClinVar:

ClinVar aggregate classification (germline): Uncertain significance (1 of 4 stars; one submission).

Conditions:
46,XY sex reversal 9 (SRXY9). Also called: 46,XY SEX REVERSAL, ZFPM2-RELATED. Identifiers: Orphanet 251510, MedGen C4015129, MONDO:0014480, OMIM 616067.

Allele frequency attached by ClinVar (database versions not stated): gnomAD exomes 0.00002; ExAC 0.00003; gnomAD 0.00003; TOPMed 0.00003.
gnomAD v4.1: 25 of 1,611,952 alleles (0.0016%); highest among the groups gnomAD compares: Admixed American, 0.005%; no homozygotes.

Submission:

Labcorp Genetics (formerly Invitae), Labcorp
Classification: Uncertain significance for 46,XY sex reversal 9. Last evaluated: 2025-07-22. Review status: criteria provided, single submitter. Criteria: Invitae Variant Classification Sherloc (09022015). Collection method: clinical testing. Allele origin: germline.
Comment: This sequence change replaces phenylalanine, which is neutral and non-polar, with valine, which is neutral and non-polar, at codon 1140 of the ZFPM2 protein (p.Phe1140Val). This variant is present in population databases (rs775648923, gnomAD 0.009%). This variant has not been reported in the literature in individuals affected with ZFPM2-related conditions. ClinVar contains an entry for this variant (Variation ID: 2713576). An algorithm developed to predict the effect of missense changes on protein structure and function (PolyPhen-2) suggests that this variant is likely to be disruptive. In summary, the available evidence is currently insufficient to determine the role of this variant in disease. Therefore, it has been classified as a Variant of Uncertain Significance.

NM_012082.4(ZFPM2):c.3418T>G (p.Phe1140Val)

Genes: ZFPM2 (zinc finger protein, FOG family member 2; plus strand), ZFPM2-AS1 (ZFPM2 antisense RNA 1; minus strand). Cytogenetic location: 8q23.1.
Variant type: single nucleotide variant.
Coding change: c.3418T>G on transcript NM_012082.4 (MANE Select); coding-DNA position 3418, T replaced by G.
Protein change: p.Phe1140Val; replaces phenylalanine 1140 with valine.
Molecular consequence: missense variant.
Genome position (GRCh38, 1-based): chr8:105,803,500, T>G. VCF-style: chr8-105803500-T-G. GRCh37 (hg19) VCF-style: chr8-106815728-T-G.
Other names: c.3259T>G, p.Phe1087Val (NM_001362836.2); c.3022T>G, p.Phe1008Val (NM_001362837.2); short protein forms F1008V, F1140V, F1087V.
Identifiers: ClinVar variation 2713576 (VCV002713576.3), dbSNP rs775648923, ClinGen allele CA4840071.